The following is an entry in ClinVar:

ClinVar aggregate classification (germline): Conflicting classifications of pathogenicity. Review status: criteria provided, conflicting classifications (1 of 4 stars). 9 submissions from 9 submitters: Uncertain significance (2); Likely benign (6). 1 of the submissions does not count toward it. Last evaluated 2026-02-01.

Conditions:
Autosomal recessive osteopetrosis 1. Also called: TCIRG1-Related Osteopetrosis; ALBERS-SCHONBERG DISEASE, AUTOSOMAL RECESSIVE; TCIRG1-Related Autosomal Recessive Osteopetrosis. Identifiers: Orphanet 667, MedGen C1850127, MONDO:0009815, OMIM 259700.

Allele frequency attached by ClinVar (database versions not stated): 1000 Genomes Project 0.00080; 1000 Genomes Project 30x 0.00109; gnomAD 0.00182; TOPMed 0.00189; ESP Exome Variant Server 0.00200.
gnomAD v4.1: 3,627 of 1,613,854 alleles (0.22%); highest among the groups gnomAD compares: Non-Finnish European, 0.28%; 5 homozygotes.

Submissions (9):

Labcorp Genetics (formerly Invitae), Labcorp
Classification: Likely benign. Last evaluated: 2026-02-01. Review status: criteria provided, single submitter. Criteria: Invitae Variant Classification Sherloc (09022015). Collection method: clinical testing. Allele origin: germline.

Mayo Clinic Laboratories, Mayo Clinic
Classification: Likely benign. Last evaluated: 2025-09-05. Review status: criteria provided, single submitter. Criteria: ACMG Guidelines, 2015. Collection method: clinical testing. Allele origin: germline. Observed: 1 variant allele.
Comment: BS1, BP4, BP7

CeGaT Center for Human Genetics Tuebingen
Classification: Likely benign. Last evaluated: 2025-06-01. Review status: criteria provided, single submitter. Criteria: CeGaT Center For Human Genetics Tuebingen Variant Classification Criteria Version 2. Collection method: clinical testing. Allele origin: germline. Affected: yes. Observed: 5 variant alleles.
Comment: TCIRG1: BP4, BP7

Blueprint Genetics
Classification: Likely benign. Last evaluated: 2024-11-26. Review status: criteria provided, single submitter. Criteria: ACMG Guidelines, 2015. Collection method: clinical testing. Allele origin: germline.

Illumina Laboratory Services, Illumina
Classification: Uncertain significance for Autosomal recessive osteopetrosis 1. Last evaluated: 2018-01-13. Review status: criteria provided, single submitter. Criteria: ICSL Variant Classification Criteria 13 December 2019. Collection method: clinical testing. Allele origin: germline.

Genome Diagnostics Laboratory, University Medical Center Utrecht
Classification: Likely benign for Autosomal recessive osteopetrosis 1. Last evaluated: 2017-11-20. Review status: criteria provided, single submitter. Criteria: ACGS Guidelines, 2013. Collection method: clinical testing. Allele origin: germline. Affected: yes. Study: VKGL Data-share Consensus.

Eurofins Ntd Llc (ga)
Classification: Uncertain significance. Last evaluated: 2017-11-14. Review status: criteria provided, single submitter. Criteria: EGL Classification Definitions 2015. Collection method: clinical testing. Allele origin: germline. Observed: 1 variant allele, 1 heterozygote.

Clinical Genetics DNA and cytogenetics Diagnostics Lab, Erasmus MC, Erasmus Medical Center
Classification: Likely benign for Autosomal recessive osteopetrosis 1. Last evaluated: 2017-10-09. Review status: criteria provided, single submitter. Criteria: ACGS Guidelines, 2013. Collection method: clinical testing. Allele origin: germline. Affected: yes. Study: VKGL Data-share Consensus.

Natera, Inc.
Classification: Likely benign for Infantile malignant osteopetrosis. Last evaluated: 2020-09-16. Review status: no assertion criteria provided. Collection method: clinical testing. Allele origin: germline. Not counted in ClinVar's aggregate classification.

NM_006019.4(TCIRG1):c.1800C>T (p.Ala600=)

Gene: TCIRG1 (T cell immune regulator 1, ATPase H+ transporting V0 subunit a3; plus strand). Cytogenetic location: 11q13.2.
Variant type: single nucleotide variant.
Coding change: c.1800C>T on transcript NM_006019.4 (MANE Select); coding-DNA position 1800, C replaced by T.
Protein change: p.Ala600=; no amino-acid change (alanine 600 retained).
Molecular consequence: synonymous variant.
Genome position (GRCh38, 1-based): chr11:68,049,207, C>T. VCF-style: chr11-68049207-C-T. GRCh37 (hg19) VCF-style: chr11-67816674-C-T.
Other names: p.Ala600=; c.906C>T, p.Ala302= (NM_001351059.2); c.1152C>T, p.Ala384= (NM_006053.4).
Identifiers: ClinVar variation 305811 (VCV000305811.48), dbSNP rs145144233, ClinGen allele CA6147268.